The following is an entry in ClinVar:

ClinVar aggregate classification (germline): Conflicting classifications of pathogenicity. Review status: criteria provided, conflicting classifications (1 of 4 stars). 2 submissions from 2 submitters: Uncertain significance (1); Likely benign (1). Last evaluated 2025-08-27.

Conditions:
Hereditary cancer-predisposing syndrome. Also called: Neoplastic Syndromes, Hereditary; Tumor predisposition; Hereditary Cancer Syndrome; Hereditary neoplastic syndrome. Identifiers: Orphanet 140162, MedGen C0027672, MeSH D009386, MONDO:0015356.
Familial cancer of breast. Also called: BREAST CANCER, FAMILIAL; hereditary breast carcinoma; Hereditary breast cancer. Identifiers: Orphanet 227535, MedGen C0346153, MONDO:0016419, OMIM 114480. Disease mechanism: loss of function.

Submissions (2):

Labcorp Genetics (formerly Invitae), Labcorp
Classification: Uncertain significance for Familial cancer of breast. Last evaluated: 2025-08-27. Review status: criteria provided, single submitter. Criteria: Invitae Variant Classification Sherloc (09022015). Collection method: clinical testing. Allele origin: germline.
Comment: This sequence change replaces serine, which is neutral and polar, with glycine, which is neutral and non-polar, at codon 24 of the CHEK2 protein (p.Ser24Gly). This variant is not present in population databases (gnomAD no frequency). This variant has not been reported in the literature in individuals affected with CHEK2-related conditions. ClinVar contains an entry for this variant (Variation ID: 1757153). An algorithm developed to predict the effect of missense changes on protein structure and function outputs the following: PolyPhen-2: "Benign". The glycine amino acid residue is found in multiple mammalian species, which suggests that this missense change does not adversely affect protein function. In summary, the available evidence is currently insufficient to determine the role of this variant in disease. Therefore, it has been classified as a Variant of Uncertain Significance.

Ambry Genetics
Classification: Likely benign for Hereditary cancer-predisposing syndrome. Last evaluated: 2022-06-18. Review status: criteria provided, single submitter. Criteria: Ambry Variant Classification Scheme 2023. Collection method: clinical testing. Allele origin: germline.

NM_007194.4(CHEK2):c.70A>G (p.Ser24Gly)

Gene: CHEK2 (checkpoint kinase 2; minus strand). Cytogenetic location: 22q12.1.
Variant type: single nucleotide variant.
Coding change: c.70A>G on transcript NM_007194.4 (MANE Select); coding-DNA position 70, A replaced by G.
Protein change: p.Ser24Gly; replaces serine 24 with glycine.
Molecular consequence: missense variant.
Genome position (GRCh38, 1-based): chr22:28,734,652, T>C on the plus strand (A>G on the coding strand, the complement: CHEK2 is on the minus strand). VCF-style: chr22-28734652-T-C. GRCh37 (hg19) VCF-style: chr22-29130640-T-C.
Other names: c.70A>G, p.Ser24Gly (NM_001005735.3, NM_001349956.3, NM_145862.3); c.-708A>G (NM_001257387.3); short protein forms S24G.
Identifiers: ClinVar variation 1757153 (VCV001757153.3), dbSNP rs2146153708, ClinGen allele CA411091704.